The following is an entry in ClinVar:

ClinVar aggregate classification (germline): Uncertain significance (1 of 4 stars; one submission).

Submission:

CeGaT Center for Human Genetics Tuebingen
Classification: Uncertain significance. Last evaluated: 2025-02-01. Review status: criteria provided, single submitter. Criteria: CeGaT Center For Human Genetics Tuebingen Variant Classification Criteria Version 2. Collection method: clinical testing. Allele origin: germline. Affected: yes. Observed: 1 variant allele.
Comment: DSC2: PM2, PVS1:Moderate

NM_024422.6(DSC2):c.2251-2A>T

Gene: DSC2 (desmocollin 2; minus strand). Cytogenetic location: 18q12.1.
Variant type: single nucleotide variant.
Coding change: c.2251-2A>T on transcript NM_024422.6 (MANE Select); the canonical splice acceptor site of the intron before coding-DNA position 2251, A replaced by T.
Molecular consequence: splice acceptor variant.
Genome position (GRCh38, 1-based): chr18:31,069,153, T>A on the plus strand (A>T on the coding strand, the complement: DSC2 is on the minus strand). VCF-style: chr18-31069153-T-A. GRCh37 (hg19) VCF-style: chr18-28649119-T-A.
Other names: c.2251-2A>T (NM_004949.5); c.1822-2A>T (NM_001406506.1, NM_001406507.1).
Identifiers: ClinVar variation 3772585 (VCV003772585.13).
Genomic context (GRCh38, chr18:31,069,153, plus strand): 5'-CCACAAACTCCCTGAGCAGAAGCGCCCACAGTTTGGGTTGTGAAGCCATTCGCAGAATAC[T>A]GAAATGAAAACAATTTGCATTAGGGATAATACAGAGAGGAACACAAAATTATGAAAAAGA-3'